The following is an entry in ClinVar:

NM_003242.6(TGFBR2):c.1562G>A (p.Trp521Ter)

Gene: TGFBR2 (transforming growth factor beta receptor 2; plus strand). Cytogenetic location: 3p24.1.
Variant type: single nucleotide variant.
Coding change: c.1562G>A on transcript NM_003242.6 (MANE Select); coding-DNA position 1562, G replaced by A.
Protein change: p.Trp521Ter; replaces tryptophan 521 with a stop codon.
Molecular consequence: nonsense.
Genome position (GRCh38, 1-based): chr3:30,691,457, G>A. VCF-style: chr3-30691457-G-A. GRCh37 (hg19) VCF-style: chr3-30732949-G-A.
Other names: c.1637G>A, p.Trp546Ter (NM_001024847.3); c.1745G>A, p.Trp582Ter (NM_001407126.1); c.1670G>A, p.Trp557Ter (NM_001407127.1); c.1589G>A, p.Trp530Ter (NM_001407128.1); c.1565G>A, p.Trp522Ter (NM_001407129.1); c.1559G>A, p.Trp520Ter (NM_001407130.1); c.1457G>A, p.Trp486Ter (NM_001407132.1, NM_001407133.1, NM_001407134.1 and 2 more transcripts); c.1277G>A, p.Trp426Ter (NM_001407137.1); and 2 more; short protein forms W231*, W401*, W426*, W486*, W520*, W521*, W522*, W530*.
Identifiers: ClinVar variation 2444333 (VCV002444333.1), dbSNP rs2125455206, ClinGen allele CA351809561.
Genomic context (GRCh38, chr3:30,691,457, plus strand): 5'-TTTGGATCTCTTTCCCGCTACAGGGCATCCAGATGGTGTGTGAGACGTTGACTGAGTGCT[G>A]GGACCACGACCCAGAGGCCCGTCTCACAGCCCAGTGTGTGGCAGAACGCTTCAGTGAGCT-3'

ClinVar aggregate classification (germline): Likely pathogenic (1 of 4 stars; one submission).

Conditions:
Loeys-Dietz syndrome 2 (LDS2). Also called: TGFBR2-Related Loeys-Dietz Syndrome; Marfan Syndrome type 2; Marfan like connective tissue disorder; MFS 2; Marfan syndrome, type 2 (formerly); AORTIC ANEURYSM, FAMILIAL THORACIC 3. Identifiers: Orphanet 284973, Orphanet 558, MedGen C2674574, MONDO:0012427, OMIM 610168.

Submission:

3billion
Classification: Likely pathogenic for Loeys-Dietz syndrome 2. Last evaluated: 2023-02-23. Review status: criteria provided, single submitter. Criteria: ACMG Guidelines, 2015. Collection method: clinical testing. Allele origin: unknown. Affected: yes.
Comment: The variant is not observed in the gnomAD v2.1.1 dataset. This variant was predicted to result in a loss or disruption of normal protein function through protein truncation. The predicted truncated protein may be shortened by less than 10%. The variant has been previously reported as assumed (i.e. paternity and maternity not confirmed) de novo in at least one similarly affected unrelated individual (PMID: 18781618). The variant has been reported to be associated with TGFBR2 -related disorder (PMID: 18781618). Therefore, this variant is classified as Likely pathogenic according to the recommendation of ACMG/AMP guideline.

Literature cited by the submitters: PubMed 18781618.